The following is an entry in ClinVar:

NM_007289.4(MME):c.2154G>T (p.Arg718Ser)

Gene: MME (membrane metalloendopeptidase; plus strand). Cytogenetic location: 3q25.2.
Variant type: single nucleotide variant.
Coding change: c.2154G>T on transcript NM_007289.4 (MANE Select); coding-DNA position 2154, G replaced by T.
Protein change: p.Arg718Ser; replaces arginine 718 with serine.
Molecular consequence: missense variant.
Genome position (GRCh38, 1-based): chr3:155,180,360, G>T. VCF-style: chr3-155180360-G-T. GRCh37 (hg19) VCF-style: chr3-154898149-G-T.
Other names: c.2154G>T, p.Arg718Ser (NM_000902.5, NM_001354642.2, NM_001354643.1 and 2 more transcripts); short protein forms R718S.
Identifiers: ClinVar variation 1027446 (VCV001027446.4), dbSNP rs1284714866, ClinGen allele CA355219247.

ClinVar aggregate classification (germline): Conflicting classifications of pathogenicity. Review status: criteria provided, conflicting classifications (1 of 4 stars). 2 submissions from 2 submitters: Pathogenic (1); Uncertain significance (1). Last evaluated 2022-02-17.

Conditions:
Spinocerebellar ataxia 43 (SCA43). Identifiers: Orphanet 497764, MedGen C4310763, MONDO:0014867, OMIM 617018.

Allele frequency attached by ClinVar (database versions not stated): gnomAD exomes below 0.00001; TOPMed 0.00001.
gnomAD v4.1: 2 of 1,612,614 alleles (0.00012%); highest among the groups gnomAD compares: Non-Finnish European, 0.00017%; no homozygotes.

Submissions (2):

Labcorp Genetics (formerly Invitae), Labcorp
Classification: Uncertain significance. Last evaluated: 2022-02-17. Review status: criteria provided, single submitter. Criteria: Invitae Variant Classification Sherloc (09022015). Collection method: clinical testing. Allele origin: germline.
Comment: In summary, the available evidence is currently insufficient to determine the role of this variant in disease. Therefore, it has been classified as a Variant of Uncertain Significance. Algorithms developed to predict the effect of sequence changes on RNA splicing suggest that this variant may disrupt the consensus splice site. Algorithms developed to predict the effect of missense changes on protein structure and function are either unavailable or do not agree on the potential impact of this missense change (SIFT: "Deleterious"; PolyPhen-2: "Probably Damaging"; Align-GVGD: "Class C0"). ClinVar contains an entry for this variant (Variation ID: 1027446). This variant has not been reported in the literature in individuals affected with MME-related conditions. This variant is not present in population databases (gnomAD no frequency). This sequence change replaces arginine, which is basic and polar, with serine, which is neutral and polar, at codon 718 of the MME protein (p.Arg718Ser).

Molecular Medicine for Neurodegenerative and Neuromuscular Diseases Unit, IRCCS Fondazione Stella Maris
Classification: Pathogenic for Spinocerebellar ataxia 43. Last evaluated: 2021-01-04. Review status: criteria provided, single submitter. Criteria: ACMG Guidelines, 2015. Collection method: research. Allele origin: unknown. Affected: yes.